The following is an entry in ClinVar:

ClinVar aggregate classification (germline): Conflicting classifications of pathogenicity. Review status: criteria provided, conflicting classifications (1 of 4 stars). 2 submissions from 2 submitters: Likely pathogenic (1); Uncertain significance (1). Last evaluated 2024-10-11.

Conditions:
Inborn genetic diseases. Identifiers: MedGen C0950123, MeSH D030342.

Submissions (2):

Ambry Genetics
Classification: Uncertain significance for Inborn genetic diseases. Last evaluated: 2024-10-11. Review status: criteria provided, single submitter. Criteria: Ambry Variant Classification Scheme 2023. Collection method: clinical testing. Allele origin: germline.
Comment: The c.271+3A>G intronic alteration results from an A to G substitution 3 nucleotides after exon 3 (coding exon 2) of the EFTUD2 gene. This variant was not reported in population-based cohorts in the Genome Aggregation Database (gnomAD). Other alterations impacting the same donor site (c.271+1G>A and c.271+2T>G) have been reported de novo in individuals with clinical features consistent with mandibulofacial dysostosis with microcephaly (Kim, 2020; Abell, 2021). This nucleotide position is not well conserved in available vertebrate species. In silico splice site analysis for this alteration is inconclusive. Based on insufficient or conflicting evidence, the clinical significance of this alteration remains unclear.

GeneDx
Classification: Likely pathogenic. Last evaluated: 2021-04-15. Review status: criteria provided, single submitter. Criteria: GeneDx Variant Classification Process June 2021. Collection method: clinical testing. Allele origin: germline. Affected: yes.
Comment: Not observed in large population cohorts (Lek et al., 2016); Has not been previously published as pathogenic or benign to our knowledge; In-silico analysis, which includes splice predictors and evolutionary conservation, is inconclusive as to whether the variant alters gene splicing. In the absence of RNA/functional studies, the actual effect of this sequence change is unknown.

Literature cited by the submitters: PubMed 32408545 (cited by Ambry Genetics); PubMed 33247512 (cited by Ambry Genetics).

NM_004247.4(EFTUD2):c.271+3A>G

Gene: EFTUD2 (elongation factor Tu GTP binding domain containing 2; minus strand). Cytogenetic location: 17q21.31.
Variant type: single nucleotide variant.
Coding change: c.271+3A>G on transcript NM_004247.4 (MANE Select); 3 bases into the intron after coding-DNA position 271, A replaced by G.
Molecular consequence: intron variant.
Genome position (GRCh38, 1-based): chr17:44,886,582, T>C on the plus strand (A>G on the coding strand, the complement: EFTUD2 is on the minus strand). VCF-style: chr17-44886582-T-C. GRCh37 (hg19) VCF-style: chr17-42963950-T-C.
Other names: c.166+3A>G (NM_001142605.2); c.271+3A>G (NM_001258354.2, NM_001258353.2).
Identifiers: ClinVar variation 418730 (VCV000418730.4), dbSNP rs1064793395, ClinGen allele CA16620456.